The following is an entry in ClinVar:

NM_018094.5(GSPT2):c.1521C>T (p.Phe507=)

Gene: GSPT2 (G1 to S phase transition 2; plus strand). Cytogenetic location: Xp11.22.
Variant type: single nucleotide variant.
Coding change: c.1521C>T on transcript NM_018094.5 (MANE Select); coding-DNA position 1521, C replaced by T.
Protein change: p.Phe507=; no amino-acid change (phenylalanine 507 retained).
Molecular consequence: synonymous variant.
Genome position (GRCh38, 1-based): chrX:51,745,147, C>T. VCF-style: chrX-51745147-C-T. GRCh37 (hg19) VCF-style: chrX-51488243-C-T.
Identifiers: ClinVar variation 2660573 (VCV002660573.24), dbSNP rs781793704, ClinGen allele CA10417327.

ClinVar aggregate classification (germline): Likely benign (1 of 4 stars; one submission).

Allele frequency attached by ClinVar (database versions not stated): gnomAD exomes 0.00002; ExAC 0.00003; TOPMed 0.00006.
gnomAD v4.1: 20 of 1,206,562 alleles (0.0017%); highest among the groups gnomAD compares: Admixed American, 0.02%; no homozygotes.

Submission:

CeGaT Center for Human Genetics Tuebingen
Classification: Likely benign. Last evaluated: 2022-09-01. Review status: criteria provided, single submitter. Criteria: CeGaT Center For Human Genetics Tuebingen Variant Classification Criteria Version 2. Collection method: clinical testing. Allele origin: germline. Affected: yes. Observed: 1 variant allele.
Comment: GSPT2: BP4, BP7